The following is an entry in ClinVar:

ClinVar aggregate classification (germline): Uncertain significance (1 of 4 stars; one submission).

Conditions:
Charcot-Marie-Tooth disease type 4. Also called: Charcot-Marie-Tooth disease, type IV; Charcot-Marie-Tooth, Type 4. Identifiers: Orphanet 64749, MedGen C4082197, MONDO:0018995.

Allele frequency attached by ClinVar (database versions not stated): ExAC 0.00001; gnomAD exomes 0.00002 and 0.00003; TOPMed 0.00002; ESP Exome Variant Server 0.00008.
gnomAD v4.1: 29 of 1,614,042 alleles (0.0018%); highest among the groups gnomAD compares: Admixed American, 0.012%; no homozygotes.

Submission:

Labcorp Genetics (formerly Invitae), Labcorp
Classification: Uncertain significance for Charcot-Marie-Tooth disease type 4. Last evaluated: 2022-04-15. Review status: criteria provided, single submitter. Criteria: Invitae Variant Classification Sherloc (09022015). Collection method: clinical testing. Allele origin: germline.
Comment: This sequence change replaces arginine, which is basic and polar, with glutamine, which is neutral and polar, at codon 1057 of the SBF2 protein (p.Arg1057Gln). This variant is present in population databases (rs138612196, gnomAD 0.02%). This variant has not been reported in the literature in individuals affected with SBF2-related conditions. ClinVar contains an entry for this variant (Variation ID: 403856). Algorithms developed to predict the effect of missense changes on protein structure and function are either unavailable or do not agree on the potential impact of this missense change (SIFT: "Tolerated"; PolyPhen-2: "Possibly Damaging"; Align-GVGD: "Class C0"). In summary, the available evidence is currently insufficient to determine the role of this variant in disease. Therefore, it has been classified as a Variant of Uncertain Significance.

NM_030962.4(SBF2):c.3170G>A (p.Arg1057Gln)

Genes: SBF2 (SET binding factor 2; minus strand), LOC101928008 (uncharacterized LOC101928008; plus strand). Cytogenetic location: 11p15.4.
Variant type: single nucleotide variant.
Coding change: c.3170G>A on transcript NM_030962.4 (MANE Select); coding-DNA position 3170, G replaced by A.
Protein change: p.Arg1057Gln; replaces arginine 1057 with glutamine.
Molecular consequence: missense variant.
Genome position (GRCh38, 1-based): chr11:9,842,711, C>T on the plus strand (G>A on the coding strand, the complement: SBF2 is on the minus strand). VCF-style: chr11-9842711-C-T. GRCh37 (hg19) VCF-style: chr11-9864258-C-T.
Other names: c.3170G>A, p.Arg1057Gln (NM_001386339.1); c.3041G>A, p.Arg1014Gln (NM_001386342.1); short protein forms R1057Q, R1014Q.
Identifiers: ClinVar variation 403856 (VCV000403856.4), dbSNP rs138612196, ClinGen allele CA5881353.